The following is an entry in ClinVar:

ClinVar aggregate classification (germline): Pathogenic. Review status: reviewed by expert panel (3 of 4 stars). 18 submissions from 18 submitters: Pathogenic (1). 17 of the submissions do not count toward it. Last evaluated 2026-09-15.

Conditions:
Ornithine carbamoyltransferase deficiency (OTCD). Also called: Ornithine Carbamoyltransferase Deficiency Disease; ORNITHINE TRANSCARBAMYLASE DEFICIENCY; ORNITHINE TRANSCARBAMYLASE DEFICIENCY, HYPERAMMONEMIA DUE TO; OTC DEFICIENCY. Identifiers: Orphanet 664, MedGen C0268542, MONDO:0010703, OMIM 311250.

Submissions 1 to 7 of 18:

Clingen Urea Cycle Disorders Variant Curation Expert Panel, ClinGen
Classification: Pathogenic for Ornithine carbamoyltransferase deficiency. Last evaluated: 2026-09-15. Review status: reviewed by expert panel. Criteria: ClinGen UreaCycles ACMG Specifications OTC V1.0. Collection method: curation. Allele origin: germline. Inheritance: X-linked inheritance.
Comment: The c.119G>A variant in OTC is a missense variant predicted to cause substitution of arginine by histidine at amino acid 40 (p.Arg40His). One patient with this variant displayed hyperammonemia, elevated glutamine, normal citrulline, with elevated urine orotic acid, which is highly specific for ornithine transcarbamylase deficiency (PMID:25026867; PP4_Moderate). This variant has been reported in 13 additional male and 1 female probands with biochemical or clinical evidence of OTC deficiency (PMID:6635166, 9286441, 23209112, 17334707, 7860066, 19893582, 25026867, 21070677, 11260212, 9048915; PS4_VeryStrong). This variant is absent from gnomAD v4.1 (PM2_Supporting). Growth assay in yeast showed <50% of wild-type OTC growth activity, indicating that this variant have a impact protein function (PMID: 37146589; PS3_Supporting). Multiple affected family members (≥5 informative segregations, PP1 strong; PMID:16635166, 9286441, 11260212, 9048915). Another missense variant c.118C>T (p.Arg40Cys) is Pathogenic/Likely Pathogenic, and c.119G>T (p.Arg40Leu) is Likely Pathogenic in ClinVar, however PM5 criteria is not being utilized in this curation. The computational predictor REVEL gives a SCORE of 0.613, which is below the threshold of 0.644, evidence that correlates with uncertain impact to OTC function. In summary, this variant meets the criteria to be classified as Pathogenic for X-linked ornithine carbamoyltransferase deficiency based on the ACMG/AMP criteria applied, as specified by the ClinGen Urea Cycle Disorders VCEP: PP4_Moderate (+2), PS4_VeryStrong (+8), PM2_Supporting (+1), PS3_Supporting (+1), PP1_Strong (+4)

Labcorp Genetics (formerly Invitae), Labcorp
Classification: Pathogenic for Ornithine carbamoyltransferase deficiency. Last evaluated: 2025-12-10. Review status: criteria provided, single submitter. Criteria: Invitae Variant Classification Sherloc (09022015). Collection method: clinical testing. Allele origin: germline. Not counted in ClinVar's aggregate classification.
Comment: This sequence change replaces arginine, which is basic and polar, with histidine, which is basic and polar, at codon 40 of the OTC protein (p.Arg40His). This variant is not present in population databases (gnomAD no frequency). This missense change has been observed in individuals with ornithine transcarbamylase deficiency (PMID: 7951259, 19893582, 25026867). ClinVar contains an entry for this variant (Variation ID: 11014). Invitae Evidence Modeling of protein sequence and biophysical properties (such as structural, functional, and spatial information, amino acid conservation, physicochemical variation, residue mobility, and thermodynamic stability) indicates that this missense variant is expected to disrupt OTC protein function with a positive predictive value of 95%. Experimental studies have shown that this missense change affects OTC function (PMID: 11102556). This variant disrupts the p.Arg40 amino acid residue in OTC. Other variant(s) that disrupt this residue have been determined to be pathogenic (PMID: 7860066, 7951259, 19893582, 23209112, 25026867; internal data). This suggests that this residue is clinically significant, and that variants that disrupt this residue are likely to be disease-causing. For these reasons, this variant has been classified as Pathogenic.

Clinical Genomics Laboratory, Washington University in St. Louis
Classification: Pathogenic for Ornithine carbamoyltransferase deficiency. Last evaluated: 2025-11-07. Review status: criteria provided, single submitter. Criteria: ACMG Guidelines, 2015. Collection method: clinical testing. Allele origin: germline. Affected: yes. Not counted in ClinVar's aggregate classification.
Comment: The OTC c.119G>A (p.Arg40His) variant has been reported in several individuals affected with ornithine carbamoyltransferase deficiency and is reported to segregate with disease in at least three families (Augustin L et al., PMID: 11102556; Brassier A et al., PMID: 25958381; Cavicchi C et al., PMID: 25026867; Harada E et al., PMID: 16635166; Nichiyori A et al., PMID: 9048915; Pinner JR et al., PMID: 21070677; Toquet S et al., PMID: 34014557; Tuchman M et al., PMID: 7951259). This variant has been reported in the ClinVar database as a germline pathogenic variant by 15 submitters and as a likely pathogenic variant by one submitter. This variant is absent from the general population (gnomAD v.2.1.1), indicating it is not a common variant. Functional studies show residual OTC activity of approximately 30% of wild-type levels when expressed in vitro, indicating that this variant impacts protein function (Augustin L et al., PMID: 11102556; Harada E et al., PMID: 16635166). Another variant in the same codon, c.119G>T (p.Arg40Leu) has been reported in affected individuals (Cavicchi C et al., PMID: 25026867). Based on available information and the ACMG/AMP guidelines for variant interpretation (Richards S et al., PMID: 25741868), this variant is classified as pathogenic.

Myriad Genetics, Inc.
Classification: Pathogenic for Ornithine carbamoyltransferase deficiency. Last evaluated: 2025-05-29. Review status: criteria provided, single submitter. Criteria: Myriad Autosomal Dominant, Autosomal Recessive and X-Linked Classification Criteria (2023). Collection method: clinical testing. Allele origin: unknown. Not counted in ClinVar's aggregate classification.
Comment: NM_000531.5(OTC):c.119G>A(R40H) is a missense variant classified as pathogenic in the context of ornithine transcarbamylase deficiency. Please note that variants at this residue have been associated with late-onset disease. R40H has been observed in cases with relevant disease (PMID: 7951259, 9048915, 21070677, 25026867, 25958381). Relevant functional assessments of this variant are available in the literature (PMID: 9048915, 11102556, 11768581). R40H has not been observed in referenced population frequency databases. In summary, NM_000531.5(OTC):c.119G>A(R40H) is a missense variant that has functional support for pathogenicity and has been observed more frequently in cases with the relevant disease than in healthy populations. Please note: this variant was assessed in the context of healthy population screening.

Natera, Inc.
Classification: Pathogenic for Ornithine transcarbamylase deficiency. Last evaluated: 2025-04-14. Review status: criteria provided, single submitter. Criteria: Natera Variant Classification Schema (03/2026). Collection method: clinical testing. Allele origin: germline. Not counted in ClinVar's aggregate classification.
Comment: The c.119G>A variant in OTC is a missense variant predicted to cause substitution of arginine to histidine at amino acid 40. This variant is rare in the general population with a frequency below the threshold expected for the associated phenotype(s). This variant has been observed in affected individual(s) with monoallelic occurrence (heterozygous/hemizygous) (PMID: 33272297, 16635166, 7860066, 11260212, 9048915). This variant has been observed to segregate in affected family members (PMID: 11260212, 16635166, 18030415, 34014557). Functional studies show that this variant may disrupt protein function (PMID: 7860066). Computational prediction algorithms indicate this variant is likely to affect gene or protein function. Given the available evidence, this variant is classified as Pathogenic.

Fulgent Genetics
Classification: Pathogenic for Ornithine carbamoyltransferase deficiency. Last evaluated: 2024-05-29. Review status: criteria provided, single submitter. Criteria: ACMG Guidelines, 2015. Collection method: clinical testing. Allele origin: germline. Not counted in ClinVar's aggregate classification.

Women's Health and Genetics/Laboratory Corporation of America, LabCorp
Classification: Pathogenic for Ornithine carbamoyltransferase deficiency. Last evaluated: 2024-05-29. Review status: criteria provided, single submitter. Criteria: LabCorp Variant Classification Summary - May 2015. Collection method: clinical testing. Allele origin: germline. Not counted in ClinVar's aggregate classification.
Comment: Variant summary: OTC c.119G>A (p.Arg40His) results in a non-conservative amino acid change located in the aspartate/ornithine carbamoyltransferase, Asp/Orn-binding domain (IPR006131) of the encoded protein sequence. Four of five in-silico tools predict a damaging effect of the variant on protein function. The variant was absent in 183119 control chromosomes (gnomAD). c.119G>A has been reported in the literature in multiple individuals affected with ornithine transcarbamylase deficiency and several of these individuals had a late-onset presentation (example: Toquet_2020 , Harada_2006 ). These data indicate that the variant is very likely to be associated with disease. A different variant affecting the same codon has been classified as pathogenic by our lab (c.118C>T, p.Arg40Cys), supporting the critical relevance of codon 40 to OTC protein function. In vitro and in vivo functional studies reveal reduced activity of the variant (Augustin_2000, Harada_2006). The following publications have been ascertained in the context of this evaluation (PMID: 34014557, 16635166, 11102556). ClinVar contains an entry for this variant (Variation ID: 11014). Based on the evidence outlined above, the variant was classified as pathogenic.

NM_000531.6(OTC):c.119G>A (p.Arg40His)

Gene: OTC (ornithine transcarbamylase; plus strand). Cytogenetic location: Xp11.4.
Variant type: single nucleotide variant.
Coding change: c.119G>A on transcript NM_000531.6 (MANE Select); coding-DNA position 119, G replaced by A.
Protein change: p.Arg40His; replaces arginine 40 with histidine.
Molecular consequence: missense variant.
Genome position (GRCh38, 1-based): chrX:38,367,332, G>A. VCF-style: chrX-38367332-G-A. GRCh37 (hg19) VCF-style: chrX-38226585-G-A.
Other names: NM_000531.6(OTC):c.119G>A; short protein forms R40H.
Identifiers: ClinVar variation 11014 (VCV000011014.33), dbSNP rs72554308, ClinGen allele CA224454.
Genomic context (GRCh38, chrX:38,367,332, plus strand): 5'-TTTAAATCTCTTTTTACAGGTGTGGACAACCACTACAAAATAAAGTGCAGCTGAAGGGCC[G>A]TGACCTTCTCACTCTAAAAAACTTTACCGGAGAAGAAATTAAATATATGCTATGGCTATC-3'
Protein context (NP_000522.3, residues 30-50): PLQNKVQLKG[Arg40His]DLLTLKNFTG